The following is an entry in ClinVar:

NM_018100.4(EFHC1):c.595A>G (p.Ile199Val)

Gene: EFHC1 (EF-hand domain containing 1; plus strand). Cytogenetic location: 6p12.2.
Variant type: single nucleotide variant.
Coding change: c.595A>G on transcript NM_018100.4 (MANE Select); coding-DNA position 595, A replaced by G.
Protein change: p.Ile199Val; replaces isoleucine 199 with valine.
Molecular consequence: missense variant. On other transcripts: non-coding transcript variant (1).
Genome position (GRCh38, 1-based): chr6:52,452,709, A>G. VCF-style: chr6-52452709-A-G. GRCh37 (hg19) VCF-style: chr6-52317507-A-G.
Other names: c.538A>G, p.Ile180Val (NM_001172420.2); short protein forms I199V, I180V.
Identifiers: ClinVar variation 958422 (VCV000958422.11), dbSNP rs759793242, ClinGen allele CA3855785.
Genomic context (GRCh38, chr6:52,452,709, plus strand): 5'-TCCAAGAAAGATGATCATTGTTAACTTTCAATTATTTAGGTATTTTTAGAAAGCCAAGGA[A>G]TTGAGTTAAATCCACCAGAGAAGATGGCTCTTGATCCTTACACTGAACTCCGAAAACAGC-3'
Protein context (NP_060570.2, residues 189-209): FTQVFLESQG[Ile199Val]ELNPPEKMAL

ClinVar aggregate classification (germline): Uncertain significance (1 of 4 stars; one submission).

Conditions:
Myoclonic epilepsy, juvenile, susceptibility to, 1. Also called: Myoclonic Epilepsy, Juvenile, 1; EJM1. Identifiers: MedGen C1850778, MONDO:0020752, OMIM 254770.
Absence seizure. Also called: Absence epilepsy. Identifiers: Orphanet 1941, MedGen C0014553.

Allele frequency attached by ClinVar (database versions not stated): gnomAD exomes below 0.00001; ExAC 0.00001.
gnomAD v4.1: 6 of 1,614,186 alleles (0.00037%); highest among the groups gnomAD compares: Non-Finnish European, 0.00051%; no homozygotes.

Submission:

Labcorp Genetics (formerly Invitae), Labcorp
Classification: Uncertain significance for Myoclonic epilepsy, juvenile, susceptibility to, 1; Absence seizure. Last evaluated: 2022-08-09. Review status: criteria provided, single submitter. Criteria: Invitae Variant Classification Sherloc (09022015). Collection method: clinical testing. Allele origin: germline.
Comment: In summary, the available evidence is currently insufficient to determine the role of this variant in disease. Therefore, it has been classified as a Variant of Uncertain Significance. Algorithms developed to predict the effect of missense changes on protein structure and function are either unavailable or do not agree on the potential impact of this missense change (SIFT: "Tolerated"; PolyPhen-2: "Possibly Damaging"; Align-GVGD: "Class C0"). This variant has not been reported in the literature in individuals affected with EFHC1-related conditions. ClinVar contains an entry for this variant (Variation ID: 958422). This variant is present in population databases (rs759793242, gnomAD 0.006%). This sequence change replaces isoleucine, which is neutral and non-polar, with valine, which is neutral and non-polar, at codon 199 of the EFHC1 protein (p.Ile199Val).